The following is an entry in ClinVar:

NM_182961.4(SYNE1):c.17217A>C (p.Gln5739His)

Gene: SYNE1 (spectrin repeat containing nuclear envelope protein 1; minus strand). Cytogenetic location: 6q25.2.
Variant type: single nucleotide variant.
Coding change: c.17217A>C on transcript NM_182961.4 (MANE Select); coding-DNA position 17217, A replaced by C.
Protein change: p.Gln5739His; replaces glutamine 5739 with histidine.
Molecular consequence: missense variant.
Genome position (GRCh38, 1-based): chr6:152,308,618, T>G on the plus strand (A>C on the coding strand, the complement: SYNE1 is on the minus strand). VCF-style: chr6-152308618-T-G. GRCh37 (hg19) VCF-style: chr6-152629753-T-G.
Other names: c.17004A>C, p.Gln5668His (NM_033071.5); short protein forms Q5668H, Q5739H.
Identifiers: ClinVar variation 2657013 (VCV002657013.24), dbSNP rs2552092513, ClinGen allele CA366105868.

ClinVar aggregate classification (germline): Uncertain significance (1 of 4 stars; one submission).

Submission:

CeGaT Center for Human Genetics Tuebingen
Classification: Uncertain significance. Last evaluated: 2022-03-01. Review status: criteria provided, single submitter. Criteria: CeGaT Center For Human Genetics Tuebingen Variant Classification Criteria Version 2. Collection method: clinical testing. Allele origin: germline. Affected: yes. Observed: 1 variant allele.
Comment: SYNE1: PM2